The following is an entry in ClinVar:

NM_000245.4(MET):c.640A>G (p.Ile214Val)

Gene: MET (MET proto-oncogene, receptor tyrosine kinase; plus strand). Cytogenetic location: 7q31.2.
Variant type: single nucleotide variant.
Coding change: c.640A>G on transcript NM_000245.4 (MANE Select); coding-DNA position 640, A replaced by G.
Protein change: p.Ile214Val; replaces isoleucine 214 with valine.
Molecular consequence: missense variant. On other transcripts: intron variant (1).
Genome position (GRCh38, 1-based): chr7:116,699,724, A>G. VCF-style: chr7-116699724-A-G. GRCh37 (hg19) VCF-style: chr7-116339778-A-G.
Other names: c.640A>G, p.Ile214Val (NM_001127500.3, NM_001324401.3); c.-91+27147A>G (NM_001324402.2); short protein forms I214V.
Identifiers: ClinVar variation 186588 (VCV000186588.19), dbSNP rs786203065, ClinGen allele CA195253.

ClinVar aggregate classification (germline): Conflicting classifications of pathogenicity. Review status: criteria provided, conflicting classifications (1 of 4 stars). 4 submissions from 4 submitters: Uncertain significance (3); Likely benign (1). Last evaluated 2026-08-03.

Conditions:
Renal cell carcinoma. Identifiers: Orphanet 217071, MedGen C0007134, MeSH D002292, MONDO:0005086, HP:0005584.
Hereditary cancer-predisposing syndrome. Also called: Neoplastic Syndromes, Hereditary; Hereditary Cancer Syndrome; Tumor predisposition; Hereditary neoplastic syndrome. Identifiers: Orphanet 140162, MedGen C0027672, MeSH D009386, MONDO:0015356.
Autosomal recessive nonsyndromic hearing loss 97. Also called: Deafness, autosomal recessive 97. Identifiers: Orphanet 90636, MedGen C4084709, MONDO:0014739, OMIM 616705.

Submissions (4):

Ambry Genetics
Classification: Likely benign for Hereditary cancer-predisposing syndrome. Last evaluated: 2026-08-03. Review status: criteria provided, single submitter. Criteria: Ambry Variant Classification Scheme 2023. Collection method: clinical testing. Allele origin: germline.

Labcorp Genetics (formerly Invitae), Labcorp
Classification: Uncertain significance for Renal cell carcinoma. Last evaluated: 2025-01-22. Review status: criteria provided, single submitter. Criteria: Invitae Variant Classification Sherloc (09022015). Collection method: clinical testing. Allele origin: germline.
Comment: This sequence change replaces isoleucine, which is neutral and non-polar, with valine, which is neutral and non-polar, at codon 214 of the MET protein (p.Ile214Val). This variant is not present in population databases (gnomAD no frequency). This variant has not been reported in the literature in individuals affected with MET-related conditions. ClinVar contains an entry for this variant (Variation ID: 186588). Invitae Evidence Modeling of protein sequence and biophysical properties (such as structural, functional, and spatial information, amino acid conservation, physicochemical variation, residue mobility, and thermodynamic stability) indicates that this missense variant is not expected to disrupt MET protein function with a negative predictive value of 80%. In summary, the available evidence is currently insufficient to determine the role of this variant in disease. Therefore, it has been classified as a Variant of Uncertain Significance.

Baylor Genetics
Classification: Uncertain significance for Autosomal recessive nonsyndromic hearing loss 97. Last evaluated: 2023-11-22. Review status: criteria provided, single submitter. Criteria: ACMG Guidelines, 2015. Collection method: clinical testing. Allele origin: unknown.

Sema4
Classification: Uncertain significance for Hereditary cancer-predisposing syndrome. Last evaluated: 2022-02-14. Review status: criteria provided, single submitter. Criteria: Sema4 Curation Guidelines. Collection method: curation. Allele origin: germline.
Comment: The MET c.640A>G (p.I214V) variant has not been reported in the literature to our knowledge. This variant is not reported in the Genome Aggregation Database (PMID: 32461654). The variant has been reported in ClinVar (Variation ID: 186588). In silico tools suggest the impact of the variant on protein function is benign, though these predictions have not been confirmed by functional studies. The evidence is insufficient to meet ACMG/AMP criteria for classifying the variant as benign or pathogenic. Thus, the clinical significance of this variant is currently uncertain.